The following is an entry in ClinVar:

ClinVar aggregate classification (germline): Uncertain significance (1 of 4 stars; one submission).

Conditions:
Bethlem myopathy 1A. Also called: MYOPATHY, BENIGN CONGENITAL, WITH CONTRACTURES; Bethlem myopathy 1; Bethlem Muscular Dystrophy. Identifiers: Orphanet 610, MedGen CN029274, MONDO:0024530, OMIM 158810.

Submission:

Labcorp Genetics (formerly Invitae), Labcorp
Classification: Uncertain significance for Bethlem myopathy 1A. Last evaluated: 2021-04-06. Review status: criteria provided, single submitter. Criteria: Invitae Variant Classification Sherloc (09022015). Collection method: clinical testing. Allele origin: germline.
Comment: This sequence change replaces phenylalanine with leucine at codon 637 of the COL6A1 protein (p.Phe637Leu). The phenylalanine residue is highly conserved and there is a small physicochemical difference between phenylalanine and leucine. In summary, the available evidence is currently insufficient to determine the role of this variant in disease. Therefore, it has been classified as a Variant of Uncertain Significance. Advanced modeling of protein sequence and biophysical properties (such as structural, functional, and spatial information, amino acid conservation, physicochemical variation, residue mobility, and thermodynamic stability) performed at Invitae indicates that this missense variant is expected to disrupt COL6A1 protein function. This variant has not been reported in the literature in individuals with COL6A1-related conditions. This variant is not present in population databases (ExAC no frequency).

NM_001848.3(COL6A1):c.1911C>A (p.Phe637Leu)

Gene: COL6A1 (collagen type VI alpha 1 chain; plus strand). Cytogenetic location: 21q22.3.
Variant type: single nucleotide variant.
Coding change: c.1911C>A on transcript NM_001848.3 (MANE Select); coding-DNA position 1911, C replaced by A.
Protein change: p.Phe637Leu; replaces phenylalanine 637 with leucine.
Molecular consequence: missense variant.
Genome position (GRCh38, 1-based): chr21:46,001,341, C>A. VCF-style: chr21-46001341-C-A. GRCh37 (hg19) VCF-style: chr21-47421255-C-A.
Other names: short protein forms F637L.
Identifiers: ClinVar variation 1521002 (VCV001521002.8), dbSNP rs552239546, ClinGen allele CA410533588.